The following is an entry in ClinVar:

ClinVar aggregate classification (germline): Uncertain significance (1 of 4 stars; one submission).

Allele frequency attached by ClinVar (database versions not stated): gnomAD 0.00001; gnomAD exomes 0.00001; ExAC 0.00002; TOPMed 0.00003.
gnomAD v4.1: 20 of 1,613,744 alleles (0.0012%); highest among the groups gnomAD compares: East Asian, 0.0067%; no homozygotes.

Submission:

Labcorp Genetics (formerly Invitae), Labcorp
Classification: Uncertain significance. Last evaluated: 2021-10-11. Review status: criteria provided, single submitter. Criteria: Invitae Variant Classification Sherloc (09022015). Collection method: clinical testing. Allele origin: germline.
Comment: In summary, the available evidence is currently insufficient to determine the role of this variant in disease. Therefore, it has been classified as a Variant of Uncertain Significance. Advanced modeling of protein sequence and biophysical properties (such as structural, functional, and spatial information, amino acid conservation, physicochemical variation, residue mobility, and thermodynamic stability) performed at Invitae indicates that this missense variant is not expected to disrupt ADCY5 protein function. This variant has not been reported in the literature in individuals affected with ADCY5-related conditions. This variant is present in population databases (rs750815254, ExAC 0.003%). This sequence change replaces valine with isoleucine at codon 886 of the ADCY5 protein (p.Val886Ile). The valine residue is weakly conserved and there is a small physicochemical difference between valine and isoleucine.

NM_183357.3(ADCY5):c.2656G>A (p.Val886Ile)

Gene: ADCY5 (adenylate cyclase 5; minus strand). Cytogenetic location: 3q21.1.
Variant type: single nucleotide variant.
Coding change: c.2656G>A on transcript NM_183357.3 (MANE Select); coding-DNA position 2656, G replaced by A.
Protein change: p.Val886Ile; replaces valine 886 with isoleucine.
Molecular consequence: missense variant.
Genome position (GRCh38, 1-based): chr3:123,303,123, C>T on the plus strand (G>A on the coding strand, the complement: ADCY5 is on the minus strand). VCF-style: chr3-123303123-C-T. GRCh37 (hg19) VCF-style: chr3-123021970-C-T.
Other names: c.1606G>A, p.Val536Ile (NM_001199642.1); c.2656G>A, p.Val886Ile (NM_001378259.1); short protein forms V886I, V536I.
Identifiers: ClinVar variation 1490255 (VCV001490255.6), dbSNP rs750815254, ClinGen allele CA2577033.